The following is an entry in ClinVar:

ClinVar aggregate classification (germline): Pathogenic/Likely pathogenic. Review status: criteria provided, multiple submitters, no conflicts (2 of 4 stars). 2 submissions from 2 submitters: Pathogenic (1); Likely pathogenic (1). Last evaluated 2026-08-03.

Conditions:
Autosomal recessive limb-girdle muscular dystrophy type 2A (LGMDR1). Also called: LEYDEN-MOEBIUS MUSCULAR DYSTROPHY; MUSCULAR DYSTROPHY, PELVOFEMORAL; Limb-girdle muscular dystrophy, type 2A; Calpainopathy; Muscular dystrophy, limb-girdle, type 2A, Amish. Identifiers: Orphanet 267, MedGen C1869123, MONDO:0009675, OMIM 253600. Disease mechanism: loss of function.

Submissions (2):

Genelabs Medical  (pvt) Ltd
Classification: Likely pathogenic for Autosomal recessive limb-girdle muscular dystrophy type 2A. Last evaluated: 2026-08-03. Review status: criteria provided, single submitter. Criteria: ACMG Guidelines, 2015. Collection method: clinical testing. Allele origin: germline. Inheritance: Autosomal recessive inheritance. Affected: no. Observed: 1 heterozygote.
Comment: The frameshift variant NM_000070.3(CAPN3):c.1740_1743del (p.Ser581ArgfsTer13) is a novel change that introduces a premature stop codon, predicted to result in loss of normal protein function through nonsense-mediated mRNA decay (NMD) or the production of a truncated protein. This variant is absent from population databases, including gnomAD and ExAC, suggesting it is not observed in the general population. CAPN3 is known to be intolerant to loss-of-function (LoF) variants, and LoF is a well-established mechanism of disease for this gene (PMID: 10330340, 15689361). The variant occurs in exon 13 of the biologically relevant CAPN3 transcript. The premature stop codon is expected to trigger NMD, thereby preventing translation of a truncated protein. Additionally, multiple downstream pathogenic LoF variants have been reported in CAPN3, including the furthest such variant, p.Arg788IlefsTer96, which lies 207 amino acids downstream of p.Ser581ArgfsTer13. Given its absence in population databases, the predicted impact via NMD, its location in a disease-relevant transcript, and the existence of downstream pathogenic LoF variants, this variant is classified as Likely Pathogenic. (PVS1, PM2_Supporting)

Labcorp Genetics (formerly Invitae), Labcorp
Classification: Pathogenic for Autosomal recessive limb-girdle muscular dystrophy type 2A. Last evaluated: 2020-09-24. Review status: criteria provided, single submitter. Criteria: Invitae Variant Classification Sherloc (09022015). Collection method: clinical testing. Allele origin: germline.
Comment: For these reasons, this variant has been classified as Pathogenic. Loss-of-function variants in CAPN3 are known to be pathogenic (PMID: 10330340, 15689361). This variant has not been reported in the literature in individuals with CAPN3-related conditions. This variant is not present in population databases (ExAC no frequency). This sequence change creates a premature translational stop signal (p.Ser581Argfs*13) in the CAPN3 gene. It is expected to result in an absent or disrupted protein product.

Literature cited by the submitters: PubMed 10330340 (cited by Genelabs Medical  (pvt) Ltd and Labcorp Genetics (formerly Invitae), Labcorp); PubMed 15689361 (cited by Genelabs Medical  (pvt) Ltd and Labcorp Genetics (formerly Invitae), Labcorp).

NM_000070.3(CAPN3):c.1740_1743del (p.Ser581fs)

Gene: CAPN3 (calpain 3; plus strand). Cytogenetic location: 15q15.1.
Variant type: Microsatellite.
Coding change: c.1740_1743del on transcript NM_000070.3 (MANE Select); coding-DNA positions 1740 to 1743, 4 bases deleted (CTCT; older notation c.1740_1743delCTCT).
Protein change: p.Ser581fs; shifts the reading frame from serine 581.
Molecular consequence: frameshift variant.
Genome position (GRCh38, 1-based): chr15:42,402,997-42,403,000, CTCT deleted; deleting any 4 consecutive bases within chr15:42,402,995-42,403,000 gives the same sequence; the c. name uses the placement nearest the transcript's 3' end. VCF-style (leftmost placement, unchanged base first): chr15-42402994-CCTCT-C. GRCh37 (hg19) VCF-style: chr15-42695192-CCTCT-C.
Other names: c.1740_1743del, p.Ser581fs (NM_024344.2); c.1596_1599del, p.Ser533fs (NM_173087.2); c.204_207del, p.Ser69fs (NM_173088.2); short protein forms S533fs, S581fs, S69fs.
Identifiers: ClinVar variation 1074226 (VCV001074226.8), dbSNP rs2141203435, ClinGen allele CA2580613796.